The following is an entry in ClinVar:

ClinVar aggregate classification (germline): Conflicting classifications of pathogenicity. Review status: criteria provided, conflicting classifications (1 of 4 stars). 3 submissions from 3 submitters: Uncertain significance (2); Likely benign (1). Last evaluated 2026-04-01.

Conditions:
Multiple congenital anomalies-hypotonia-seizures syndrome 3 (MCAHS3). Also called: GLYCOSYLPHOSPHATIDYLINOSITOL BIOSYNTHESIS DEFECT 7. Identifiers: Orphanet 369837, MedGen C3809356, MONDO:0014165, OMIM 615398.

Allele frequency attached by ClinVar (database versions not stated): gnomAD 0.00002; TOPMed 0.00008; ExAC 0.00019.
gnomAD v4.1: 63 of 1,613,684 alleles (0.0039%); highest among the groups gnomAD compares: Admixed American, 0.1%; no homozygotes.

Submissions (3):

CeGaT Center for Human Genetics Tuebingen
Classification: Uncertain significance. Last evaluated: 2026-04-01. Review status: criteria provided, single submitter. Criteria: CeGaT Center For Human Genetics Tuebingen Variant Classification Criteria Version 2. Collection method: clinical testing. Allele origin: germline. Affected: yes. Observed: 1 variant allele.
Comment: PIGT: PM2, BP4

GeneDx
Classification: Uncertain significance. Last evaluated: 2025-12-18. Review status: criteria provided, single submitter. Criteria: GeneDx Variant Classification Process June 2021. Collection method: clinical testing. Allele origin: germline.
Comment: In silico analysis suggests that this missense variant does not alter protein structure/function; Has not been previously published as pathogenic or benign to our knowledge

Labcorp Genetics (formerly Invitae), Labcorp
Classification: Likely benign for Multiple congenital anomalies-hypotonia-seizures syndrome 3. Last evaluated: 2025-10-07. Review status: criteria provided, single submitter. Criteria: Invitae Variant Classification Sherloc (09022015). Collection method: clinical testing. Allele origin: germline.

NM_015937.6(PIGT):c.1502G>A (p.Gly501Asp)

Gene: PIGT (phosphatidylinositol glycan anchor biosynthesis class T; plus strand). Cytogenetic location: 20q13.12.
Variant type: single nucleotide variant.
Coding change: c.1502G>A on transcript NM_015937.6 (MANE Select); coding-DNA position 1502, G replaced by A.
Protein change: p.Gly501Asp; replaces glycine 501 with aspartic acid.
Molecular consequence: missense variant. On other transcripts: non-coding transcript variant (5).
Genome position (GRCh38, 1-based): chr20:45,425,591, G>A. VCF-style: chr20-45425591-G-A. GRCh37 (hg19) VCF-style: chr20-44054231-G-A.
Other names: c.1334G>A, p.Gly445Asp (NM_001184728.3); c.1301G>A, p.Gly434Asp (NM_001184729.3); c.1196G>A, p.Gly399Asp (NM_001184730.3); c.1502G>A (NM_015937.5); short protein forms G399D, G445D, G434D, G501D.
Identifiers: ClinVar variation 2070333 (VCV002070333.7), dbSNP rs746079811, ClinGen allele CA9878299.